The following is an entry in ClinVar:

ClinVar aggregate classification (germline): Uncertain significance (1 of 4 stars; one submission).

Submission:

CeGaT Center for Human Genetics Tuebingen
Classification: Uncertain significance. Last evaluated: 2026-06-01. Review status: criteria provided, single submitter. Criteria: CeGaT Center For Human Genetics Tuebingen Variant Classification Criteria Version 2. Collection method: clinical testing. Allele origin: germline. Affected: yes. Observed: 1 variant allele.
Comment: EFTUD2: PM2, PP3

NM_004247.4(EFTUD2):c.2260-2A>C

Gene: EFTUD2 (elongation factor Tu GTP binding domain containing 2; minus strand). Cytogenetic location: 17q21.31.
Variant type: single nucleotide variant.
Coding change: c.2260-2A>C on transcript NM_004247.4 (MANE Select); the canonical splice acceptor site of the intron before coding-DNA position 2260, A replaced by C.
Molecular consequence: splice acceptor variant.
Genome position (GRCh38, 1-based): chr17:44,854,358, T>G on the plus strand (A>C on the coding strand, the complement: EFTUD2 is on the minus strand). VCF-style: chr17-44854358-T-G. GRCh37 (hg19) VCF-style: chr17-42931726-T-G.
Other names: c.2155-2A>C (NM_001142605.2); c.2230-2A>C (NM_001258354.2); c.2260-2A>C (NM_001258353.2).
Identifiers: ClinVar variation 4875108 (VCV004875108.2).
Genomic context (GRCh38, chr17:44,854,358, plus strand): 5'-CCCCACTGGAAACCTTGAACGATGCTGTCCTTCACTGAACCAAGAAGAGCCTTGTCCACC[T>G]ATAGAGAAACATGAGGCCTCCTTAGCAGTCGCCCTGGCAACGGCTGAAGCATTTAGAGGG-3'